The following continues an entry in ClinVar:

NM_004004.6(GJB2):c.269dup (p.Val91fs)

Gene: GJB2. ClinVar aggregate classification (germline): Pathogenic. Pathogenic (14).

Submissions 11 to 17 of 17:

INGEBI, INGEBI / CONICET
Classification: Pathogenic for Nonsyndromic hearing loss and deafness. Last evaluated: 2020-08-21. Review status: criteria provided, single submitter. Criteria: ClinGen HL ACMG Specifications v1. Collection method: clinical testing. Allele origin: germline. Inheritance: Autosomal recessive inheritance. Affected: yes. Observed: 3 variant alleles. Clinical features observed: Prelingual severe bilateral hearing loss.
Comment: Based on ACMG/AMP guidelines and Hearing Loss Expert Panel specific criteria: the filtering allele frquency of c.269dup (p.Val91Serfs*11) variant in the GJB2 gene is 0,0012% (4/113654 european non-finnish chromosomes with 95% CI) in Genome Aggregation Database (calculated by using inverse allele frequency at an online resource), which meets the PM2 criteria. The c.269dup variant is predicted to cause a premature stop codon in the only exon of GJB2 that leads to a truncated or absent protein in a gene in which loss-of-function is an established mechanism (PVS1). This variant has been detected in trans with 35delG variant in at least 10 hearing loss patients (PMID: 102185257, 11102979, 11977173, 17146393, 20022641, 20553101, 23555729, 24158611) applying to PM3_VerySrong. The c.269dupT/35delG genotype segregated correctly in three affected siblings (Laboratory of Physiology and Genetics of Hearing, INGEBI internal data) meeting PP1_Moderate rule. Therefore, this variant meets criteria to be classified as pathogenic for autosomal recessive non-syndromic hearing loss (PM2, PVS1, PM3_VerySrong, PP1_Moderate)

Knight Diagnostic Laboratories, Oregon Health and Sciences University
Classification: Pathogenic for Deafness, nonsyndromic. Last evaluated: 2018-11-23. Review status: criteria provided, single submitter. Criteria: ACMG Guidelines, 2015. Collection method: clinical testing. Allele origin: germline. Observed: 1 variant allele.

Women's Health and Genetics/Laboratory Corporation of America, LabCorp
Classification: Pathogenic for Autosomal recessive nonsyndromic hearing loss 1A. Last evaluated: 2016-06-23. Review status: criteria provided, single submitter. Criteria: LabCorp Variant Classification Summary - May 2015. Collection method: clinical testing. Allele origin: germline.
Comment: Variant summary: The GJB2 c.269dupT (p.Val91Serfs) variant results in a premature termination codon, predicted to cause a truncated or absent GJB2 protein due to nonsense mediated decay, which are commonly known mechanisms for disease. Truncations downstream of this position have been classified as pathogenic by our laboratory (e.g. c.290dupA, c.298delC, and c.313_326delAAGTTCATCAAGGG). This variant was observed in the large, broad control population, ExAC, with an allele frequency of 2/121348 (1/60674), which does not exceed the estimated maximal expected allele frequency for a pathogenic GJB2 variant of 1/40 (0.025). The variant of interest has been reported in multiple affected individuals via publications. In addition, multiple reputable databases/clinical laboratories cite the variant as "pathogenic." Therefore, the variant of interest has been classified as Pathogenic.

Laboratory for Molecular Medicine, Mass General Brigham Personalized Medicine
Classification: Pathogenic for Rare genetic deafness. Last evaluated: 2015-04-07. Review status: criteria provided, single submitter. Criteria: LMM Criteria. Collection method: clinical testing. Allele origin: germline. Inheritance: Autosomal recessive inheritance. Observed: 3 variant alleles.
Comment: The p.Val91fs (c.269_270insT) variant in GJB2 has been reported in over 10 indiv iduals with hearing loss who were homozygous or compound heterozygous for a know n pathogenic variant (Dahl 2013, Dalamon 2013, Denoyelle 1999, Gravina 2010, Gre en 1999, Pandya 2003, Preciado 2004, Propst 2006, Siem 2010, Snoeckx 2005). Thi s variant has been identified in 2/66710 of European chromosomes by the Exome Ag gregation Consortium (ExAC); though this frequen cy is low enough to be consistent with a recessive carrier frequency. This varia nt is predicted to cause a frameshift, which alters the protein?s amino acid seq uence beginning at position 91 and leads to a premature termination codon 11 ami no acids downstream. This alteration is then predicted to lead to a truncated or absent protein. Heterozygous loss of function of the GJB2 gene is an establish ed disease mechanism in autosomal recessive sensorineural hearing loss. In summ ary, this variant meets criteria to be classified as pathogenic for autosomal re cessive hearing loss based on predicted impact to the protein and prior reports of the variant in trans with a known pathogenic variant. ACMG/AMP Criteria appli ed: PVS1, PM3_VeryStrong, PM2.

Molecular Genetics Laboratory, BC Children's and BC Women's Hospitals
Classification: Pathogenic for Nonsyndromic genetic hearing loss. Last evaluated: 2023-04-27. Review status: no assertion criteria provided. Criteria: ACMG Guidelines, 2015. Collection method: clinical testing. Allele origin: germline. Affected: yes. Not counted in ClinVar's aggregate classification.

Counsyl
Classification: Pathogenic for Autosomal recessive nonsyndromic hearing loss 1A. Last evaluated: 2018-03-09. Review status: no assertion criteria provided. Collection method: clinical testing. Allele origin: unknown. Not counted in ClinVar's aggregate classification.

Clinical Molecular Genetics Laboratory, Johns Hopkins All Children's Hospital
Classification: Pathogenic for Hearing loss. Last evaluated: 2015-12-17. Review status: no assertion criteria provided. Collection method: clinical testing. Allele origin: germline. Affected: yes. Not counted in ClinVar's aggregate classification.

Literature cited by the submitters: PubMed 20301449 (cited by Variantyx, Inc.); PubMed 23039283 (cited by 3 submitters); PubMed 24158611 (cited by 7 submitters); PubMed 11102979 (cited by 6 submitters); PubMed 10218527 (cited by 6 submitters); PubMed 11977173 (cited by 4 submitters); PubMed 17146393 (cited by 3 submitters); PubMed 2002264 (cited by Dasa); PubMed 20553101 (cited by 4 submitters); PubMed 23555729 (cited by 4 submitters); PubMed 20022641 (cited by 3 submitters); PubMed 16380907 (cited by 4 submitters); PubMed 15577772 (cited by Athena Diagnostics and Laboratory for Molecular Medicine, Mass General Brigham Personalized Medicine); PubMed 12865758 (cited by Athena Diagnostics and Laboratory for Molecular Medicine, Mass General Brigham Personalized Medicine); PubMed 10376574 (cited by Athena Diagnostics and Laboratory for Molecular Medicine, Mass General Brigham Personalized Medicine); PubMed 9529365 (cited by Labcorp Genetics (formerly Invitae), Labcorp); PubMed 12910486 (cited by Labcorp Genetics (formerly Invitae), Labcorp); PubMed 20863150 (cited by Labcorp Genetics (formerly Invitae), Labcorp); PubMed 102185257 (cited by INGEBI, INGEBI / CONICET).